The following is an entry in ClinVar:

ClinVar aggregate classification (germline): Conflicting classifications of pathogenicity. Review status: criteria provided, conflicting classifications (1 of 4 stars). 2 submissions from 2 submitters: Pathogenic (1); Uncertain significance (1). Last evaluated 2026-01-14.

Conditions:
Primary familial hypertrophic cardiomyopathy (HCM). Identifiers: Orphanet 99739, MedGen C0949658, MeSH D024741, MONDO:0024573. Inheritance: Various modes of inheritance.
Dilated cardiomyopathy 1AA (CMD1AA). Also called: CARDIOMYOPATHY, DILATED, 1AA, WITH OR WITHOUT LEFT VENTRICULAR NONCOMPACTION; CARDIOMYOPATHY, FAMILIAL HYPERTROPHIC, 23, WITH OR WITHOUT LEFT VENTRICULAR NONCOMPACTION; Cardiomyopathy, dilated, 1AA, with or without LVNC. Identifiers: Orphanet 154, MedGen C2677338, MONDO:0012808, OMIM 612158.

Submissions (2):

Labcorp Genetics (formerly Invitae), Labcorp
Classification: Uncertain significance for Primary familial hypertrophic cardiomyopathy; Dilated cardiomyopathy 1AA. Last evaluated: 2026-01-14. Review status: criteria provided, single submitter. Criteria: Invitae Variant Classification Sherloc (09022015). Collection method: clinical testing. Allele origin: germline.
Comment: This sequence change affects an acceptor splice site in intron 6 of the ACTN2 gene. It is expected to disrupt RNA splicing. Variants that disrupt the donor or acceptor splice site typically lead to a loss of protein function (PMID: 16199547), however the current clinical and genetic evidence is not sufficient to establish whether loss-of-function variants in ACTN2 cause disease. This variant is not present in population databases (gnomAD no frequency). This variant has not been reported in the literature in individuals affected with ACTN2-related conditions. ClinVar contains an entry for this variant (Variation ID: 1802220). Algorithms developed to predict the effect of sequence changes on RNA splicing suggest that this variant may disrupt the consensus splice site. In summary, the available evidence is currently insufficient to determine the role of this variant in disease. Therefore, it has been classified as a Variant of Uncertain Significance.

Diagnostics Services (NGS), CSIR - Centre For Cellular And Molecular Biology
Classification: Pathogenic for Dilated cardiomyopathy 1AA. Last evaluated: 2022-08-16. Review status: criteria provided, single submitter. Criteria: ACMG Guidelines, 2015. Collection method: clinical testing. Allele origin: unknown. Affected: yes. Observed: 1 variant allele, 1 heterozygote.
Comment: The c.616-2A>G variant is not present in publicly available population databases like 1000 Genomes, Exome Variant Server (EVS), Exome Aggregation Consortium (ExAC), Genome Aggregation Database (gnomAD) and Indian Exome Database. The variant is not present in our in-house exome database. This variant has not been reported in literature and/or to clinical databases like ClinVar, Human Genome Mutation Database (HGMD) or OMIM, in any affected individuals. In-silico pathogenicity prediction programs like MutationTaster2, CADD, Varsome, Franklin etc. predicted this variant to be likely deleterious. This variant disrupts the consensus splice-site and algorithms developed to predict the effect of sequence changes on RNA splicing suggest likely deleterious effect.

Literature cited by the submitters: PubMed 16199547 (cited by Labcorp Genetics (formerly Invitae), Labcorp).

NM_001103.4(ACTN2):c.616-2A>G

Gene: ACTN2 (actinin alpha 2; plus strand). Cytogenetic location: 1q43.
Variant type: single nucleotide variant.
Coding change: c.616-2A>G on transcript NM_001103.4 (MANE Select); the canonical splice acceptor site of the intron before coding-DNA position 616, A replaced by G.
Molecular consequence: splice acceptor variant.
Genome position (GRCh38, 1-based): chr1:236,731,231, A>G. VCF-style: chr1-236731231-A-G. GRCh37 (hg19) VCF-style: chr1-236894531-A-G.
Other names: c.616-2A>G (NM_001278343.2).
Identifiers: ClinVar variation 1802220 (VCV001802220.4), dbSNP rs2527574499, ClinGen allele CA345375753.